The following is an entry in ClinVar:

NM_000059.4(BRCA2):c.3884A>T (p.Gln1295Leu)

Gene: BRCA2 (BRCA2 DNA repair associated; plus strand). Cytogenetic location: 13q13.1.
Variant type: single nucleotide variant.
Coding change: c.3884A>T on transcript NM_000059.4 (MANE Select); coding-DNA position 3884, A replaced by T.
Protein change: p.Gln1295Leu; replaces glutamine 1295 with leucine.
Molecular consequence: missense variant. On other transcripts: non-coding transcript variant (1), intron variant (2).
Genome position (GRCh38, 1-based): chr13:32,338,239, A>T. VCF-style: chr13-32338239-A-T. GRCh37 (hg19) VCF-style: chr13-32912376-A-T.
Other names: c.3884A>T, p.Gln1295Leu (NM_001406719.1, NM_001406720.1); c.1909+4852A>T (NM_001406721.1); c.425-6319A>T (NM_001406722.1); short protein forms Q1295L.
Identifiers: ClinVar variation 3261578 (VCV003261578.1).

ClinVar aggregate classification (germline): Uncertain significance (1 of 4 stars; one submission).

Conditions:
Hereditary cancer-predisposing syndrome. Also called: Hereditary Cancer Syndrome; Tumor predisposition; Hereditary neoplastic syndrome; Neoplastic Syndromes, Hereditary. Identifiers: Orphanet 140162, MedGen C0027672, MeSH D009386, MONDO:0015356.

Submission:

Ambry Genetics
Classification: Uncertain significance for Hereditary cancer-predisposing syndrome. Last evaluated: 2024-03-28. Review status: criteria provided, single submitter. Criteria: Ambry Variant Classification Scheme 2023. Collection method: clinical testing. Allele origin: germline.
Comment: The p.Q1295L variant (also known as c.3884A>T), located in coding exon 10 of the BRCA2 gene, results from an A to T substitution at nucleotide position 3884. The glutamine at codon 1295 is replaced by leucine, an amino acid with dissimilar properties. This amino acid position is conserved. In addition, this alteration is predicted to be tolerated by in silico analysis. Based on the available evidence, the clinical significance of this alteration remains unclear.